The following is an entry in ClinVar:

ClinVar aggregate classification (germline): Conflicting classifications of pathogenicity. Review status: criteria provided, conflicting classifications (1 of 4 stars). 5 submissions from 5 submitters: Uncertain significance (3); Likely benign (2). Last evaluated 2026-06-01.

Conditions:
Ehlers-Danlos syndrome (EDS). Identifiers: Orphanet 98249, MedGen C0013720, MONDO:0020066.
Cardiovascular phenotype. Identifiers: MedGen CN230736.

Allele frequency attached by ClinVar (database versions not stated): gnomAD 0.00015 and 0.00017; TOPMed 0.00021; gnomAD exomes 0.00023; ExAC 0.00032; ESP Exome Variant Server 0.00066.
gnomAD v4.1: 273 of 1,612,822 alleles (0.017%); highest among the groups gnomAD compares: Middle Eastern, 0.083%; 2 homozygotes.

Submissions (5):

CeGaT Center for Human Genetics Tuebingen
Classification: Likely benign. Last evaluated: 2026-06-01. Review status: criteria provided, single submitter. Criteria: CeGaT Center For Human Genetics Tuebingen Variant Classification Criteria Version 2. Collection method: clinical testing. Allele origin: germline. Affected: yes. Observed: 2 variant alleles.
Comment: TNXB: BP4

Women's Health and Genetics/Laboratory Corporation of America, LabCorp
Classification: Uncertain significance. Last evaluated: 2025-11-13. Review status: criteria provided, single submitter. Criteria: LabCorp Variant Classification Summary - May 2015. Collection method: clinical testing. Allele origin: germline.
Comment: Variant summary: TNXB c.5155G>A (p.Val1719Met) results in a conservative amino acid change in the encoded protein sequence. Algorithms developed to predict the effect of missense changes on protein structure and function all suggest that this variant is likely to be tolerated. The variant allele was found at a frequency of 0.00023 in 248380 control chromosomes in the gnomAD database, including 1 homozygote. This frequency is not significantly higher than estimated for disease-causing variants in TNXB, allowing no conclusion about variant significance. c.5155G>A has been observed in at least one individual affected with primary vesicoureteral reflux, without strong evidence of causality (example: Gbadegesin_2013). This report does not provide unequivocal conclusions about association of the variant with TNXB-related disorders. To our knowledge, no experimental evidence demonstrating an impact on protein function has been reported. The following publication has been ascertained in the context of this evaluation (PMID: 23620400). ClinVar contains an entry for this variant (Variation ID: 1196875). Based on the evidence outlined above, the variant was classified as uncertain significance.

Ambry Genetics
Classification: Uncertain significance for Cardiovascular phenotype. Last evaluated: 2024-03-27. Review status: criteria provided, single submitter. Criteria: Ambry Variant Classification Scheme 2023. Collection method: clinical testing. Allele origin: germline.
Comment: The p.V1719M variant (also known as c.5155G>A), located in coding exon 13 of the TNXB gene, results from a G to A substitution at nucleotide position 5155. The valine at codon 1719 is replaced by methionine, an amino acid with highly similar properties. This amino acid position is highly conserved in available vertebrate species. In addition, this alteration is predicted to be tolerated by in silico analysis. Since supporting evidence is limited at this time, the clinical significance of this alteration remains unclear.

GeneDx
Classification: Likely benign. Last evaluated: 2021-05-25. Review status: criteria provided, single submitter. Criteria: GeneDx Variant Classification Process June 2021. Collection method: clinical testing. Allele origin: germline. Affected: yes.

Genome Diagnostics Laboratory, The Hospital for Sick Children
Classification: Uncertain significance for Ehlers-Danlos syndrome. Last evaluated: 2020-01-01. Review status: criteria provided, single submitter. Criteria: ACMG Guidelines, 2015. Collection method: clinical testing. Allele origin: germline.

Literature cited by the submitters: PubMed 23620400 (cited by Women's Health and Genetics/Laboratory Corporation of America, LabCorp).

NM_001365276.2(TNXB):c.5155G>A (p.Val1719Met)

Gene: TNXB (tenascin XB; minus strand). Cytogenetic location: 6p21.33.
Variant type: single nucleotide variant.
Coding change: c.5155G>A on transcript NM_001365276.2 (MANE Select); coding-DNA position 5155, G replaced by A.
Protein change: p.Val1719Met; replaces valine 1719 with methionine.
Molecular consequence: missense variant.
Genome position (GRCh38, 1-based): chr6:32,070,250, C>T on the plus strand (G>A on the coding strand, the complement: TNXB is on the minus strand). VCF-style: chr6-32070250-C-T. GRCh37 (hg19) VCF-style: chr6-32038027-C-T.
Other names: c.5155G>A, p.Val1719Met (NM_019105.8); short protein forms V1719M.
Identifiers: ClinVar variation 1196875 (VCV001196875.31), dbSNP rs200125936, ClinGen allele CA3734779.